The following is an entry in ClinVar:

ClinVar aggregate classification (germline): Uncertain significance (1 of 4 stars; one submission).

Conditions:
Combined immunodeficiency due to DOCK8 deficiency (HIES2). Also called: HIES autosomal recessive; Hyper-IgE recurrent infection syndrome, autosomal recessive; DOCK8 Deficiency; HYPER-IgE RECURRENT INFECTION SYNDROME 2, AUTOSOMAL RECESSIVE; HYPER-IgE SYNDROME 2, AUTOSOMAL RECESSIVE, WITH RECURRENT INFECTIONS. Identifiers: Orphanet 217390, MedGen C4722305, MONDO:0009478, OMIM 243700.

Submission:

Labcorp Genetics (formerly Invitae), Labcorp
Classification: Uncertain significance for Combined immunodeficiency due to DOCK8 deficiency. Last evaluated: 2022-10-18. Review status: criteria provided, single submitter. Criteria: Invitae Variant Classification Sherloc (09022015). Collection method: clinical testing. Allele origin: germline.
Comment: This variant results in a copy number gain of the genomic region encompassing exon(s) 2-48 of the DOCK8 gene. This region includes the termination codon of the gene. This copy number gain extends beyond the assayed region for this gene and therefore may encompass additional genes. As the precise location of this event is unknown, it may be in tandem or it may be located elsewhere in the genome. This variant has not been reported in the literature in individuals affected with DOCK8-related conditions. In summary, the available evidence is currently insufficient to determine the role of this variant in disease. Therefore, it has been classified as a Variant of Uncertain Significance.

NC_000009.11:g.(?_271607)_(464219_?)dup

Gene: DOCK8 (dedicator of cytokinesis 8; plus strand). Cytogenetic location: 9p24.3.
Variant type: Duplication.
Identifiers: ClinVar variation 2427725 (VCV002427725.7).